The following is an entry in ClinVar:

NM_002582.4(PARN):c.394C>G (p.Pro132Ala)

Gene: PARN (poly(A)-specific ribonuclease; minus strand). Cytogenetic location: 16p13.12.
Variant type: single nucleotide variant.
Coding change: c.394C>G on transcript NM_002582.4 (MANE Select); coding-DNA position 394, C replaced by G.
Protein change: p.Pro132Ala; replaces proline 132 with alanine.
Molecular consequence: missense variant.
Genome position (GRCh38, 1-based): chr16:14,610,804, G>C on the plus strand (C>G on the coding strand, the complement: PARN is on the minus strand). VCF-style: chr16-14610804-G-C. GRCh37 (hg19) VCF-style: chr16-14704661-G-C.
Other names: c.211C>G, p.Pro71Ala (NM_001134477.3); c.256C>G, p.Pro86Ala (NM_001242992.2); short protein forms P86A, P132A, P71A.
Identifiers: ClinVar variation 2926062 (VCV002926062.3), dbSNP rs2508395454, ClinGen allele CA394811355.

ClinVar aggregate classification (germline): Uncertain significance (1 of 4 stars; one submission).

Conditions:
Dyskeratosis congenita, autosomal recessive 6 (DKCB6). Identifiers: MedGen C4225356, MONDO:0014600, OMIM 616353.
Pulmonary fibrosis and/or bone marrow failure, Telomere-related, 4. Also called: PULMONARY FIBROSIS AND/OR BONE MARROW FAILURE SYNDROME, TELOMERE-RELATED, 4. Identifiers: Orphanet 2032, MedGen C4225347, MONDO:0014612, OMIM 616371.

Submission:

Labcorp Genetics (formerly Invitae), Labcorp
Classification: Uncertain significance for Dyskeratosis congenita, autosomal recessive 6; Pulmonary fibrosis and/or bone marrow failure, Telomere-related, 4. Last evaluated: 2023-10-29. Review status: criteria provided, single submitter. Criteria: Invitae Variant Classification Sherloc (09022015). Collection method: clinical testing. Allele origin: germline.
Comment: This sequence change replaces proline, which is neutral and non-polar, with alanine, which is neutral and non-polar, at codon 132 of the PARN protein (p.Pro132Ala). This variant is not present in population databases (gnomAD no frequency). This variant has not been reported in the literature in individuals affected with PARN-related conditions. Advanced modeling of protein sequence and biophysical properties (such as structural, functional, and spatial information, amino acid conservation, physicochemical variation, residue mobility, and thermodynamic stability) has been performed at Invitae for this missense variant, however the output from this modeling did not meet the statistical confidence thresholds required to predict the impact of this variant on PARN protein function. In summary, the available evidence is currently insufficient to determine the role of this variant in disease. Therefore, it has been classified as a Variant of Uncertain Significance.